The following is an entry in ClinVar:

NM_001170629.2(CHD8):c.7602G>A (p.Leu2534=)

Gene: CHD8 (chromodomain helicase DNA binding protein 8; minus strand). Cytogenetic location: 14q11.2.
Variant type: single nucleotide variant.
Coding change: c.7602G>A on transcript NM_001170629.2 (MANE Select); coding-DNA position 7602, G replaced by A.
Protein change: p.Leu2534=; no amino-acid change (leucine 2534 retained).
Molecular consequence: synonymous variant.
Genome position (GRCh38, 1-based): chr14:21,385,757, C>T on the plus strand (G>A on the coding strand, the complement: CHD8 is on the minus strand). VCF-style: chr14-21385757-C-T. GRCh37 (hg19) VCF-style: chr14-21853916-C-T.
Other names: c.6765G>A, p.Leu2255= (NM_020920.4).
Identifiers: ClinVar variation 2644061 (VCV002644061.25), dbSNP rs767340595, ClinGen allele CA7090526.

ClinVar aggregate classification (germline): Likely benign. Review status: criteria provided, multiple submitters, no conflicts (2 of 4 stars). 2 submissions from 2 submitters: Likely benign (2). Last evaluated 2023-10-01.

Allele frequency attached by ClinVar (database versions not stated): gnomAD exomes 0.00001; TOPMed 0.00001; ExAC 0.00005; gnomAD 0.00007.
gnomAD v4.1: 28 of 1,549,632 alleles (0.0018%); highest among the groups gnomAD compares: African/African-American, 0.0014%; no homozygotes.

Submissions (2):

CeGaT Center for Human Genetics Tuebingen
Classification: Likely benign. Last evaluated: 2023-10-01. Review status: criteria provided, single submitter. Criteria: CeGaT Center For Human Genetics Tuebingen Variant Classification Criteria Version 2. Collection method: clinical testing. Allele origin: germline. Affected: yes. Observed: 1 variant allele.
Comment: CHD8: BP4, BP7

Blueprint Genetics
Classification: Likely benign. Last evaluated: 2022-02-18. Review status: criteria provided, single submitter. Criteria: ACMG Guidelines, 2015. Collection method: clinical testing. Allele origin: germline.